The following is an entry in ClinVar:

NM_000032.5(ALAS2):c.305-8C>T

Genes: ALAS2 (5'-aminolevulinate synthase 2; minus strand), LOC108663984 (ALAS2 intron 1 and 3 erythroid regulatory elements; plus strand). Cytogenetic location: Xp11.21.
Variant type: single nucleotide variant.
Coding change: c.305-8C>T on transcript NM_000032.5 (MANE Select); 8 bases into the intron before coding-DNA position 305, C replaced by T.
Molecular consequence: intron variant.
Genome position (GRCh38, 1-based): chrX:55,023,875, G>A on the plus strand (C>T on the coding strand, the complement: ALAS2 is on the minus strand). VCF-style: chrX-55023875-G-A. GRCh37 (hg19) VCF-style: chrX-55050308-G-A.
Other names: c.304+843C>T (NM_001037967.4); c.376+843C>T (NM_001037968.4).
Identifiers: ClinVar variation 2071111 (VCV002071111.28), dbSNP rs369089714, ClinGen allele CA10428438.

ClinVar aggregate classification (germline): Likely benign. Review status: criteria provided, multiple submitters, no conflicts (2 of 4 stars). 2 submissions from 2 submitters: Likely benign (2). Last evaluated 2023-12-26.

Allele frequency attached by ClinVar (database versions not stated): gnomAD 0.00003; ESP Exome Variant Server 0.00009.
gnomAD v4.1: 23 of 1,178,427 alleles (0.002%); highest among the groups gnomAD compares: Middle Eastern, 0.023%; no homozygotes.

Submissions (2):

Labcorp Genetics (formerly Invitae), Labcorp
Classification: Likely benign. Last evaluated: 2023-12-26. Review status: criteria provided, single submitter. Criteria: Invitae Variant Classification Sherloc (09022015). Collection method: clinical testing. Allele origin: germline.

CeGaT Center for Human Genetics Tuebingen
Classification: Likely benign. Last evaluated: 2022-05-01. Review status: criteria provided, single submitter. Criteria: CeGaT Center For Human Genetics Tuebingen Variant Classification Criteria Version 2. Collection method: clinical testing. Allele origin: germline. Affected: yes. Observed: 1 variant allele.
Comment: ALAS2: BP4